The following is an entry in ClinVar:

NM_017534.6(MYH2):c.1822G>A (p.Val608Met)

Genes: MYHAS (myosin heavy chain gene cluster antisense RNA; plus strand), MYH2 (myosin heavy chain 2; minus strand). Cytogenetic location: 17p13.1.
Variant type: single nucleotide variant.
Coding change: c.1822G>A on transcript NM_017534.6 (MANE Select); coding-DNA position 1822, G replaced by A.
Protein change: p.Val608Met; replaces valine 608 with methionine.
Molecular consequence: missense variant.
Genome position (GRCh38, 1-based): chr17:10,537,308, C>T on the plus strand (G>A on the coding strand, the complement: MYH2 is on the minus strand). VCF-style: chr17-10537308-C-T. GRCh37 (hg19) VCF-style: chr17-10440625-C-T.
Other names: c.1822G>A, p.Val608Met (NM_001100112.2); short protein forms V608M.
Identifiers: ClinVar variation 2915578 (VCV002915578.3), dbSNP rs770151167, ClinGen allele CA8391288.

ClinVar aggregate classification (germline): Uncertain significance (1 of 4 stars; one submission).

Conditions:
Myopathy, proximal, and ophthalmoplegia (CMYO6). Also called: MYOPATHY WITH CONGENITAL JOINT CONTRACTURES, OPHTHALMOPLEGIA, AND RIMMED VACUOLES; INCLUSION BODY MYOPATHY 3, AUTOSOMAL DOMINANT; CONGENITAL MYOPATHY 6 WITH OPHTHALMOPLEGIA. Identifiers: Orphanet 363677, Orphanet 79091, MedGen C1854106, MONDO:0011577, OMIM 605637.

Allele frequency attached by ClinVar (database versions not stated): gnomAD exomes below 0.00001; ExAC 0.00001.
gnomAD v4.1: 1 of 1,614,206 alleles (0.000062%); highest among the groups gnomAD compares: Admixed American, 0.0017%; no homozygotes.

Submission:

Labcorp Genetics (formerly Invitae), Labcorp
Classification: Uncertain significance for Myopathy, proximal, and ophthalmoplegia. Last evaluated: 2023-12-09. Review status: criteria provided, single submitter. Criteria: Invitae Variant Classification Sherloc (09022015). Collection method: clinical testing. Allele origin: germline.
Comment: This sequence change replaces valine, which is neutral and non-polar, with methionine, which is neutral and non-polar, at codon 608 of the MYH2 protein (p.Val608Met). This variant is present in population databases (rs770151167, gnomAD 0.003%). This variant has not been reported in the literature in individuals affected with MYH2-related conditions. Advanced modeling of protein sequence and biophysical properties (such as structural, functional, and spatial information, amino acid conservation, physicochemical variation, residue mobility, and thermodynamic stability) performed at Invitae indicates that this missense variant is not expected to disrupt MYH2 protein function with a negative predictive value of 80%. In summary, the available evidence is currently insufficient to determine the role of this variant in disease. Therefore, it has been classified as a Variant of Uncertain Significance.